The following is an entry in ClinVar:

NM_016604.4(KDM3B):c.502C>G (p.Leu168Val)

Gene: KDM3B (lysine demethylase 3B; plus strand). Cytogenetic location: 5q31.2.
Variant type: single nucleotide variant.
Coding change: c.502C>G on transcript NM_016604.4 (MANE Select); coding-DNA position 502, C replaced by G.
Protein change: p.Leu168Val; replaces leucine 168 with valine.
Molecular consequence: missense variant.
Genome position (GRCh38, 1-based): chr5:138,377,747, C>G. VCF-style: chr5-138377747-C-G. GRCh37 (hg19) VCF-style: chr5-137713436-C-G.
Other names: short protein forms L168V.
Identifiers: ClinVar variation 3661667 (VCV003661667.2).

ClinVar aggregate classification (germline): Uncertain significance (1 of 4 stars; one submission).

Submission:

Labcorp Genetics (formerly Invitae), Labcorp
Classification: Uncertain significance. Last evaluated: 2024-08-07. Review status: criteria provided, single submitter. Criteria: Invitae Variant Classification Sherloc (09022015). Collection method: clinical testing. Allele origin: germline.
Comment: This sequence change replaces leucine, which is neutral and non-polar, with valine, which is neutral and non-polar, at codon 168 of the KDM3B protein (p.Leu168Val). This variant is not present in population databases (gnomAD no frequency). This variant has not been reported in the literature in individuals affected with KDM3B-related conditions. An algorithm developed to predict the effect of missense changes on protein structure and function (PolyPhen-2) suggests that this variant is likely to be tolerated. In summary, the available evidence is currently insufficient to determine the role of this variant in disease. Therefore, it has been classified as a Variant of Uncertain Significance.